The following is an entry in ClinVar:

ClinVar aggregate classification (germline): Benign. Review status: criteria provided, single submitter (1 of 4 stars). 2 submissions from 2 submitters: Benign (1). 1 of the submissions does not count toward it. Last evaluated 2025-05-07.

Conditions:
LRRC10-related disorder. Also called: LRRC10-related condition.

Allele frequency attached by ClinVar (database versions not stated): gnomAD exomes 0.00008 and 0.00017; TOPMed 0.00002; gnomAD 0.00001 and 0.00005; 1000 Genomes Project 0.00060; 1000 Genomes Project 30x 0.00062; ExAC 0.00020.

Submissions (2):

Labcorp Genetics (formerly Invitae), Labcorp
Classification: Benign. Last evaluated: 2025-05-07. Review status: criteria provided, single submitter. Criteria: Invitae Variant Classification Sherloc (09022015). Collection method: clinical testing. Allele origin: germline.

PreventionGenetics, part of Exact Sciences
Classification: Likely benign for LRRC10-related condition. Last evaluated: 2021-05-03. Review status: no assertion criteria provided. Collection method: clinical testing. Allele origin: germline. Not counted in ClinVar's aggregate classification.
Comment: This variant is classified as likely benign based on ACMG/AMP sequence variant interpretation guidelines (Richards et al. 2015 PMID: 25741868, with internal and published modifications).

NM_201550.4(LRRC10):c.195T>C (p.Asn65=)

Gene: LRRC10 (leucine rich repeat containing 10; minus strand). Cytogenetic location: 12q15.
Variant type: single nucleotide variant.
Coding change: c.195T>C on transcript NM_201550.4 (MANE Select); coding-DNA position 195, T replaced by C.
Protein change: p.Asn65=; no amino-acid change (asparagine 65 retained).
Molecular consequence: synonymous variant.
Genome position (GRCh38, 1-based): chr12:69,610,644, A>G on the plus strand (T>C on the coding strand, the complement: LRRC10 is on the minus strand). VCF-style: chr12-69610644-A-G. GRCh37 (hg19) VCF-style: chr12-70004424-A-G.
Other names: c.195T>C (NM_201550.3).
Identifiers: ClinVar variation 1590418 (VCV001590418.10), dbSNP rs552658459, ClinGen allele CA6681113.